The following is an entry in ClinVar:

ClinVar aggregate classification (germline): Benign. Review status: criteria provided, multiple submitters, no conflicts (2 of 4 stars). 2 submissions from 2 submitters: Benign (2). Last evaluated 2020-11-24.

Allele frequency attached by ClinVar (database versions not stated): 1000 Genomes Project 0.01278; gnomAD exomes 0.01494.

Submissions (2):

GeneDx
Classification: Benign. Last evaluated: 2020-11-24. Review status: criteria provided, single submitter. Criteria: GeneDx Variant Classification Process June 2021. Collection method: clinical testing. Allele origin: germline. Affected: yes.
Comment: This variant is associated with the following publications: (PMID: 17551100)

Breakthrough Genomics
Classification: Benign. Review status: criteria provided, single submitter. Criteria: ACMG Guidelines, 2015. Collection method: not provided. Allele origin: germline. Inheritance: Autosomal recessive inheritance. Affected: yes.

NC_000016.10:g.67430991G>A

Gene: HSD11B2 (hydroxysteroid 11-beta dehydrogenase 2; plus strand). Cytogenetic location: 16q22.1.
Variant type: single nucleotide variant.
Genome position: GRCh38 VCF-style: chr16-67430991-G-A. GRCh37 (hg19) VCF-style: chr16-67464894-G-A.
Identifiers: ClinVar variation 1231382 (VCV001231382.5), dbSNP rs56057545, ClinGen allele CA282318993.